The following is an entry in ClinVar:

NM_014844.5(TECPR2):c.67A>G (p.Ile23Val)

Gene: TECPR2 (tectonin beta-propeller repeat containing 2; plus strand). Cytogenetic location: 14q32.31.
Variant type: single nucleotide variant.
Coding change: c.67A>G on transcript NM_014844.5 (MANE Select); coding-DNA position 67, A replaced by G.
Protein change: p.Ile23Val; replaces isoleucine 23 with valine.
Molecular consequence: missense variant.
Genome position (GRCh38, 1-based): chr14:102,376,788, A>G. VCF-style: chr14-102376788-A-G. GRCh37 (hg19) VCF-style: chr14-102843125-A-G.
Other names: c.67A>G, p.Ile23Val (NM_001172631.3); short protein forms I23V.
Identifiers: ClinVar variation 580029 (VCV000580029.7), dbSNP rs776524033, ClinGen allele CA7357325.

ClinVar aggregate classification (germline): Uncertain significance. Review status: criteria provided, multiple submitters, no conflicts (2 of 4 stars). 3 submissions from 3 submitters: Uncertain significance (2). 1 of the submissions does not count toward it. Last evaluated 2026-06-11.

Conditions:
Hereditary spastic paraplegia 49 (HSAN9). Also called: Spastic paraplegia 49, autosomal recessive; TECPR2-Related Hereditary Sensory and Autonomic Neuropathy with Intellectual Disability; NEUROPATHY, HEREDITARY SENSORY AND AUTONOMIC, TYPE IX, WITH DEVELOPMENTAL DELAY. Identifiers: Orphanet 320385, MedGen C5190860, MONDO:0014016, OMIM 615031.

Allele frequency attached by ClinVar (database versions not stated): gnomAD exomes 0.00002 and 0.00007; gnomAD 0.00009 and 0.00008; TOPMed 0.00004; ExAC 0.00003.
gnomAD v4.1: 114 of 1,614,090 alleles (0.0071%); highest among the groups gnomAD compares: Non-Finnish European, 0.0095%; no homozygotes.

Submissions (3):

Women's Health and Genetics/Laboratory Corporation of America, LabCorp
Classification: Uncertain significance. Last evaluated: 2026-06-11. Review status: criteria provided, single submitter. Criteria: LabCorp Variant Classification Summary - May 2015. Collection method: clinical testing. Allele origin: germline.
Comment: Variant summary: TECPR2 c.67A>G (p.Ile23Val) results in a conservative amino acid change in the encoded protein sequence. Algorithms developed to predict the effect of missense changes on protein structure and function are either unavailable or do not agree on the potential impact of this missense change. The variant allele was found at a frequency of 2.4e-05 in 251468 control chromosomes. The available data on variant occurrences in the general population are insufficient to allow any conclusion about variant significance. To our knowledge, no occurrence of c.67A>G in individuals affected with TECPR2-related conditions and no experimental evidence demonstrating its impact on protein function have been reported. ClinVar contains an entry for this variant (Variation ID: 580029). Based on the evidence outlined above, the variant was classified as uncertain significance.

Labcorp Genetics (formerly Invitae), Labcorp
Classification: Uncertain significance for Hereditary spastic paraplegia 49. Last evaluated: 2022-06-04. Review status: criteria provided, single submitter. Criteria: Invitae Variant Classification Sherloc (09022015). Collection method: clinical testing. Allele origin: germline.
Comment: This sequence change replaces isoleucine, which is neutral and non-polar, with valine, which is neutral and non-polar, at codon 23 of the TECPR2 protein (p.Ile23Val). This variant is present in population databases (rs776524033, gnomAD 0.006%). This variant has not been reported in the literature in individuals affected with TECPR2-related conditions. ClinVar contains an entry for this variant (Variation ID: 580029). Algorithms developed to predict the effect of missense changes on protein structure and function are either unavailable or do not agree on the potential impact of this missense change (SIFT: "Tolerated"; PolyPhen-2: "Probably Damaging"; Align-GVGD: "Class C0"). In summary, the available evidence is currently insufficient to determine the role of this variant in disease. Therefore, it has been classified as a Variant of Uncertain Significance.

Natera, Inc.
Classification: Uncertain significance for Autosomal recessive spastic paraplegia type 49. Last evaluated: 2019-11-11. Review status: no assertion criteria provided. Collection method: clinical testing. Allele origin: germline. Not counted in ClinVar's aggregate classification.